The following is an entry in ClinVar:

ClinVar aggregate classification (germline): Uncertain significance (1 of 4 stars; one submission).

Allele frequency attached by ClinVar (database versions not stated): gnomAD exomes below 0.00001 and 0.00001; gnomAD 0.00001.
gnomAD v4.1: 4 of 1,201,850 alleles (0.00033%); highest among the groups gnomAD compares: African/African-American, 0.0035%; no homozygotes.

Submission:

Labcorp Genetics (formerly Invitae), Labcorp
Classification: Uncertain significance. Last evaluated: 2025-05-13. Review status: criteria provided, single submitter. Criteria: Invitae Variant Classification Sherloc (09022015). Collection method: clinical testing. Allele origin: germline.
Comment: This sequence change replaces valine, which is neutral and non-polar, with methionine, which is neutral and non-polar, at codon 434 of the CHM protein (p.Val434Met). The frequency data for this variant in the population databases is considered unreliable, as metrics indicate poor data quality at this position in the gnomAD database. This variant has not been reported in the literature in individuals affected with CHM-related conditions. ClinVar contains an entry for this variant (Variation ID: 1372837). Invitae Evidence Modeling of protein sequence and biophysical properties (such as structural, functional, and spatial information, amino acid conservation, physicochemical variation, residue mobility, and thermodynamic stability) indicates that this missense variant is not expected to disrupt CHM protein function with a negative predictive value of 80%. In summary, the available evidence is currently insufficient to determine the role of this variant in disease. Therefore, it has been classified as a Variant of Uncertain Significance.

NM_000390.4(CHM):c.1300G>A (p.Val434Met)

Gene: CHM (CHM Rab escort protein; minus strand). Cytogenetic location: Xq21.2.
Variant type: single nucleotide variant.
Coding change: c.1300G>A on transcript NM_000390.4 (MANE Select); coding-DNA position 1300, G replaced by A.
Protein change: p.Val434Met; replaces valine 434 with methionine.
Molecular consequence: missense variant.
Genome position (GRCh38, 1-based): chrX:85,901,133, C>T on the plus strand (G>A on the coding strand, the complement: CHM is on the minus strand). VCF-style: chrX-85901133-C-T. GRCh37 (hg19) VCF-style: chrX-85156138-C-T.
Other names: c.856G>A, p.Val286Met (NM_001320959.1, NM_001362517.1, NM_001362518.2 and 1 more transcripts); short protein forms V286M, V434M.
Identifiers: ClinVar variation 1372837 (VCV001372837.6), dbSNP rs1407816407, ClinGen allele CA413789740.